The following is an entry in ClinVar:

ClinVar aggregate classification (germline): Pathogenic (1 of 4 stars; one submission).

Conditions:
Familial thoracic aortic aneurysm and aortic dissection (TAAD). Also called: Thoracic aortic aneurysms and dissections. Identifiers: Orphanet 91387, MedGen C4707243, MONDO:0019625.
Marfan syndrome (MFS). Also called: Marfan syndrome type 1; Marfan's syndrome; Marfan syndrome, classic; MARFAN SYNDROME, TYPE I; FBN1-Related Marfan Syndrome. Identifiers: Orphanet 284963, Orphanet 558, MedGen C0024796, MONDO:0007947, OMIM 154700.

Submission:

Labcorp Genetics (formerly Invitae), Labcorp
Classification: Pathogenic for Marfan syndrome; Familial thoracic aortic aneurysm and aortic dissection. Last evaluated: 2020-11-03. Review status: criteria provided, single submitter. Criteria: Invitae Variant Classification Sherloc (09022015). Collection method: clinical testing. Allele origin: germline.
Comment: Loss-of-function variants in FBN1 are known to be pathogenic (PMID: 17657824, 19293843). This variant has not been reported in the literature in individuals with FBN1-related disease. This variant is an out-of-frame deletion of the genomic region encompassing exons 3-4 of the FBN1 gene. This is expected to create a premature translational stop signal and result in an absent or disrupted protein product. For these reasons, this variant has been classified as Pathogenic.

Literature cited by the submitters: PubMed 17657824; PubMed 19293843.

NC_000015.9:g.(?_48902915)_(48905299_?)del

Gene: FBN1 (fibrillin 1; minus strand). Cytogenetic location: 15q21.1.
Variant type: Deletion.
Identifiers: ClinVar variation 1069830 (VCV001069830.5).